The following is an entry in ClinVar:

NM_000489.6(ATRX):c.1382A>T (p.Glu461Val)

Gene: ATRX (ATRX chromatin remodeler; minus strand). Cytogenetic location: Xq21.1.
Variant type: single nucleotide variant.
Coding change: c.1382A>T on transcript NM_000489.6 (MANE Select); coding-DNA position 1382, A replaced by T.
Protein change: p.Glu461Val; replaces glutamic acid 461 with valine.
Molecular consequence: missense variant.
Genome position (GRCh38, 1-based): chrX:77,683,874, T>A on the plus strand (A>T on the coding strand, the complement: ATRX is on the minus strand). VCF-style: chrX-77683874-T-A. GRCh37 (hg19) VCF-style: chrX-76939366-T-A.
Other names: c.1268A>T, p.Glu423Val (NM_138270.5); short protein forms E423V, E461V.
Identifiers: ClinVar variation 3361660 (VCV003361660.1).

ClinVar aggregate classification (germline): Uncertain significance (1 of 4 stars; one submission).

Submission:

GeneDx
Classification: Uncertain significance. Last evaluated: 2023-07-28. Review status: criteria provided, single submitter. Criteria: GeneDx Variant Classification Process June 2021. Collection method: clinical testing. Allele origin: germline. Affected: yes.
Comment: Not observed at significant frequency in large population cohorts (gnomAD); In silico analysis supports that this missense variant does not alter protein structure/function; Has not been previously published as pathogenic or benign to our knowledge